The following is an entry in ClinVar:

NM_001165963.4(SCN1A):c.3551-3C>A

Genes: SCN1A (sodium voltage-gated channel alpha subunit 1; minus strand), LOC102724058 (uncharacterized LOC102724058; plus strand). Cytogenetic location: 2q24.3.
Variant type: single nucleotide variant.
Coding change: c.3551-3C>A on transcript NM_001165963.4 (MANE Select); 3 bases into the intron before coding-DNA position 3551, C replaced by A.
Molecular consequence: intron variant.
Genome position (GRCh38, 1-based): chr2:166,013,901, G>T on the plus strand (C>A on the coding strand, the complement: SCN1A is on the minus strand). VCF-style: chr2-166013901-G-T. GRCh37 (hg19) VCF-style: chr2-166870411-G-T.
Other names: c.3518-3C>A (NM_001353949.2, NM_001353950.2, NM_001353951.2 and 2 more transcripts); c.3467-3C>A (NM_001353958.2, NM_001353957.2, NM_001165964.3); c.3551-3C>A (NM_001202435.3, NM_001353948.2); c.3515-3C>A (NM_001353955.2, NM_001353954.2); c.3464-3C>A (NM_001353960.2); c.1109-3C>A (NM_001353961.2).
Identifiers: ClinVar variation 2746317 (VCV002746317.3), dbSNP rs1225446966, ClinGen allele CA2697551220.

ClinVar aggregate classification (germline): Uncertain significance (1 of 4 stars; one submission).

Conditions:
Early-infantile DEE. Also called: Early infantile epileptic encephalopathy with suppression bursts; Early infantile epileptic encephalopathy; Ohtahara syndrome. Identifiers: Orphanet 1934, MedGen C0393706, MONDO:0800491.

Submission:

Labcorp Genetics (formerly Invitae), Labcorp
Classification: Uncertain significance for Early-infantile DEE. Last evaluated: 2023-07-25. Review status: criteria provided, single submitter. Criteria: Invitae Variant Classification Sherloc (09022015). Collection method: clinical testing. Allele origin: germline.
Comment: This sequence change falls in intron 17 of the SCN1A gene. It does not directly change the encoded amino acid sequence of the SCN1A protein. It affects a nucleotide within the consensus splice site. This variant is not present in population databases (gnomAD no frequency). This variant has not been reported in the literature in individuals affected with SCN1A-related conditions. Variants that disrupt the consensus splice site are a relatively common cause of aberrant splicing (PMID: 17576681, 9536098). Algorithms developed to predict the effect of sequence changes on RNA splicing suggest that this variant may disrupt the consensus splice site. In summary, the available evidence is currently insufficient to determine the role of this variant in disease. Therefore, it has been classified as a Variant of Uncertain Significance.

Literature cited by the submitters: PubMed 17576681; PubMed 9536098.